The following is an entry in ClinVar:

NM_017777.4(MKS1):c.314A>C (p.Tyr105Ser)

Gene: MKS1 (MKS transition zone complex subunit 1; minus strand). Cytogenetic location: 17q22.
Variant type: single nucleotide variant.
Coding change: c.314A>C on transcript NM_017777.4 (MANE Select); coding-DNA position 314, A replaced by C.
Protein change: p.Tyr105Ser; replaces tyrosine 105 with serine.
Molecular consequence: missense variant. On other transcripts: 5 prime UTR variant (1).
Genome position (GRCh38, 1-based): chr17:58,216,191, T>G on the plus strand (A>C on the coding strand, the complement: MKS1 is on the minus strand). VCF-style: chr17-58216191-T-G. GRCh37 (hg19) VCF-style: chr17-56293552-T-G.
Other names: c.-198A>C (NM_001321268.2); c.314A>C, p.Tyr105Ser (NM_001321269.2, NM_001330397.2); short protein forms Y105S.
Identifiers: ClinVar variation 530896 (VCV000530896.8), dbSNP rs1440792737, ClinGen allele CA400327549.

ClinVar aggregate classification (germline): Uncertain significance. Review status: criteria provided, multiple submitters, no conflicts (2 of 4 stars). 3 submissions from 3 submitters: Uncertain significance (2). 1 of the submissions does not count toward it. Last evaluated 2024-10-07.

Conditions:
MKS1-related disorder. Also called: MKS1-related condition; MKS1-related disorders. Identifiers: MedGen CN239382.
Meckel syndrome, type 1 (MKS1). Also called: MECKEL-GRUBER SYNDROME, TYPE 1. Identifiers: Orphanet 564, MedGen C3714506, MONDO:0009571, OMIM 249000.
Meckel-Gruber syndrome. Also called: GRUBER SYNDROME; DYSENCEPHALIA SPLANCHNOCYSTICA; Dysencephalia splachnocystica. Identifiers: Orphanet 564, MedGen C0265215, MONDO:0018921.
Joubert syndrome. Also called: JOUBERT-BOLTSHAUSER SYNDROME; Familial aplasia of the vermis. Identifiers: Orphanet 475, MedGen C5979921, MONDO:0018772.

Allele frequency attached by ClinVar (database versions not stated): gnomAD exomes below 0.00001; TOPMed 0.00001; gnomAD 0.00003.
gnomAD v4.1: 6 of 1,613,986 alleles (0.00037%); highest among the groups gnomAD compares: Non-Finnish European, 0.00051%; no homozygotes.

Submissions (3):

PreventionGenetics, part of Exact Sciences
Classification: Uncertain significance for MKS1-related condition. Last evaluated: 2024-10-07. Review status: criteria provided, single submitter. Criteria: ACMG Guidelines, 2015. Collection method: clinical testing. Allele origin: germline.
Comment: The MKS1 c.314A>C variant is predicted to result in the amino acid substitution p.Tyr105Ser. To our knowledge, this variant has not been reported in the literature. This variant is reported in 0.0016% of alleles in individuals of European (Non-Finnish) descent in gnomAD. At this time, the clinical significance of this variant is uncertain due to the absence of conclusive functional and genetic evidence.

Labcorp Genetics (formerly Invitae), Labcorp
Classification: Uncertain significance for Joubert syndrome; Meckel-Gruber syndrome. Last evaluated: 2021-08-31. Review status: criteria provided, single submitter. Criteria: Invitae Variant Classification Sherloc (09022015). Collection method: clinical testing. Allele origin: germline.
Comment: This sequence change replaces tyrosine with serine at codon 105 of the MKS1 protein (p.Tyr105Ser). The tyrosine residue is weakly conserved and there is a large physicochemical difference between tyrosine and serine. This variant is not present in population databases (ExAC no frequency). This variant has not been reported in the literature in individuals affected with MKS1-related conditions. Algorithms developed to predict the effect of missense changes on protein structure and function (SIFT, PolyPhen-2, Align-GVGD) all suggest that this variant is likely to be tolerated. In summary, the available evidence is currently insufficient to determine the role of this variant in disease. Therefore, it has been classified as a Variant of Uncertain Significance.

Natera, Inc.
Classification: Uncertain significance for Meckel syndrome type 1. Last evaluated: 2021-07-19. Review status: no assertion criteria provided. Collection method: clinical testing. Allele origin: germline. Not counted in ClinVar's aggregate classification.